The following is an entry in ClinVar:

ClinVar aggregate classification (germline): Uncertain significance (1 of 4 stars; one submission).

Conditions:
Cardiovascular phenotype. Identifiers: MedGen CN230736.

Submission:

Ambry Genetics
Classification: Uncertain significance for Cardiovascular phenotype. Last evaluated: 2025-09-25. Review status: criteria provided, single submitter. Criteria: Ambry Variant Classification Scheme 2023. Collection method: clinical testing. Allele origin: germline.
Comment: The p.E3957D variant (also known as c.11871A>T), located in coding exon 27 of the APOB gene, results from an A to T substitution at nucleotide position 11871. The glutamic acid at codon 3957 is replaced by aspartic acid, an amino acid with highly similar properties. This amino acid position is conserved. In addition, this alteration is predicted to be tolerated by in silico analysis. Based on the available evidence, the clinical significance of this variant remains unclear.

NM_000384.3(APOB):c.11871A>T (p.Glu3957Asp)

Gene: APOB (apolipoprotein B; minus strand). Cytogenetic location: 2p24.1.
Variant type: single nucleotide variant.
Coding change: c.11871A>T on transcript NM_000384.3 (MANE Select); coding-DNA position 11871, A replaced by T.
Protein change: p.Glu3957Asp; replaces glutamic acid 3957 with aspartic acid.
Molecular consequence: missense variant.
Genome position (GRCh38, 1-based): chr2:21,004,593, T>A on the plus strand (A>T on the coding strand, the complement: APOB is on the minus strand). VCF-style: chr2-21004593-T-A. GRCh37 (hg19) VCF-style: chr2-21227465-T-A.
Other names: short protein forms E3957D.
Identifiers: ClinVar variation 4613647 (VCV004613647.1).